The following is an entry in ClinVar:

NM_002834.5(PTPN11):c.805C>A (p.Gln269Lys)

Gene: PTPN11 (protein tyrosine phosphatase non-receptor type 11; plus strand). Cytogenetic location: 12q24.13.
Variant type: single nucleotide variant.
Coding change: c.805C>A on transcript NM_002834.5 (MANE Select); coding-DNA position 805, C replaced by A.
Protein change: p.Gln269Lys; replaces glutamine 269 with lysine.
Molecular consequence: missense variant.
Genome position (GRCh38, 1-based): chr12:112,472,992, C>A. VCF-style: chr12-112472992-C-A. GRCh37 (hg19) VCF-style: chr12-112910796-C-A.
Other names: c.805C>A, p.Gln269Lys (NM_001330437.2, NM_080601.3); c.802C>A, p.Gln268Lys (NM_001374625.1); short protein forms Q269K, Q268K.
Identifiers: ClinVar variation 3940393 (VCV003940393.1).

ClinVar aggregate classification (germline): Uncertain significance (1 of 4 stars; one submission).

Conditions:
Cardiovascular phenotype. Identifiers: MedGen CN230736.

Submission:

Ambry Genetics
Classification: Uncertain significance for Cardiovascular phenotype. Last evaluated: 2025-03-29. Review status: criteria provided, single submitter. Criteria: Ambry Variant Classification Scheme 2023. Collection method: clinical testing. Allele origin: germline.
Comment: The p.Q269K variant (also known as c.805C>A), located in coding exon 7 of the PTPN11 gene, results from a C to A substitution at nucleotide position 805. The glutamine at codon 269 is replaced by lysine, an amino acid with similar properties. This amino acid position is conserved. In addition, this alteration is predicted to be deleterious by in silico analysis. Based on the available evidence, the clinical significance of this variant remains unclear.